The following is an entry in ClinVar:

ClinVar aggregate classification (germline): Uncertain significance (1 of 4 stars; one submission).

Conditions:
Schuurs-Hoeijmakers syndrome. Also called: PACS1-Related Neurodevelopmental Disorder. Identifiers: Orphanet 329224, MedGen C3554343, MONDO:0014006, OMIM 615009.

Allele frequency attached by ClinVar (database versions not stated): TOPMed below 0.00001; ExAC 0.00001; 1000 Genomes Project 30x 0.00016; 1000 Genomes Project 0.00020; gnomAD 0.00001; gnomAD exomes below 0.00001.
gnomAD v4.1: 3 of 1,613,826 alleles (0.00019%); highest among the groups gnomAD compares: South Asian, 0.0011%; no homozygotes.

Submission:

Labcorp Genetics (formerly Invitae), Labcorp
Classification: Uncertain significance for Schuurs-Hoeijmakers syndrome. Last evaluated: 2023-07-17. Review status: criteria provided, single submitter. Criteria: Invitae Variant Classification Sherloc (09022015). Collection method: clinical testing. Allele origin: germline.
Comment: In summary, the available evidence is currently insufficient to determine the role of this variant in disease. Therefore, it has been classified as a Variant of Uncertain Significance. Advanced modeling of protein sequence and biophysical properties (such as structural, functional, and spatial information, amino acid conservation, physicochemical variation, residue mobility, and thermodynamic stability) performed at Invitae indicates that this missense variant is expected to disrupt PACS1 protein function. ClinVar contains an entry for this variant (Variation ID: 2145404). This variant has not been reported in the literature in individuals affected with PACS1-related conditions. This variant is present in population databases (rs538219005, gnomAD 0.003%). This sequence change replaces arginine, which is basic and polar, with cysteine, which is neutral and slightly polar, at codon 155 of the PACS1 protein (p.Arg155Cys).

NM_018026.4(PACS1):c.463C>T (p.Arg155Cys)

Gene: PACS1 (phosphofurin acidic cluster sorting protein 1; plus strand). Cytogenetic location: 11q13.2.
Variant type: single nucleotide variant.
Coding change: c.463C>T on transcript NM_018026.4 (MANE Select); coding-DNA position 463, C replaced by T.
Protein change: p.Arg155Cys; replaces arginine 155 with cysteine.
Molecular consequence: missense variant.
Genome position (GRCh38, 1-based): chr11:66,210,380, C>T. VCF-style: chr11-66210380-C-T. GRCh37 (hg19) VCF-style: chr11-65977851-C-T.
Other names: short protein forms R155C.
Identifiers: ClinVar variation 2145404 (VCV002145404.4), dbSNP rs538219005, ClinGen allele CA6116261.
Genomic context (GRCh38, chr11:66,210,380, plus strand): 5'-GCCACTGCACCTGGCCAAACAGACTTTTCTTCTTGGTTTCAGGGTTCAAAAAGAATTCTT[C>T]GCTCCAACGAGATCGTCCTTCCAGCTAGTGGACTGGTGGAAACAGAGCTCCAATTAACCT-3'
Protein context (NP_060496.2, residues 145-165): VKLQGSKRIL[Arg155Cys]SNEIVLPASG